The following is an entry in ClinVar:

NM_002528.7(NTHL1):c.310C>G (p.His104Asp)

Gene: NTHL1 (nth like DNA glycosylase 1; minus strand). Cytogenetic location: 16p13.3.
Variant type: single nucleotide variant.
Coding change: c.310C>G on transcript NM_002528.7 (MANE Select); coding-DNA position 310, C replaced by G.
Protein change: p.His104Asp; replaces histidine 104 with aspartic acid.
Molecular consequence: missense variant. On other transcripts: intron variant (1).
Genome position (GRCh38, 1-based): chr16:2,046,172, G>C on the plus strand (C>G on the coding strand, the complement: NTHL1 is on the minus strand). VCF-style: chr16-2046172-G-C. GRCh37 (hg19) VCF-style: chr16-2096173-G-C.
Other names: c.334C>G (NM_002528.5); c.310C>G, p.His104Asp (NM_001318193.2); c.24+108C>G (NM_001318194.2); short protein forms H104D.
Identifiers: ClinVar variation 2737193 (VCV002737193.4), dbSNP rs1306653290, ClinGen allele CA394295415.

ClinVar aggregate classification (germline): Uncertain significance. Review status: criteria provided, multiple submitters, no conflicts (2 of 4 stars). 2 submissions from 2 submitters: Uncertain significance (2). Last evaluated 2025-12-13.

Conditions:
Hereditary cancer-predisposing syndrome. Also called: Tumor predisposition; Hereditary Cancer Syndrome; Neoplastic Syndromes, Hereditary; Hereditary neoplastic syndrome. Identifiers: Orphanet 140162, MedGen C0027672, MeSH D009386, MONDO:0015356.

Submissions (2):

Ambry Genetics
Classification: Uncertain significance for Hereditary cancer-predisposing syndrome. Last evaluated: 2025-12-13. Review status: criteria provided, single submitter. Criteria: Ambry Variant Classification Scheme 2023. Collection method: clinical testing. Allele origin: germline.
Comment: The p.H112D variant (also known as c.334C>G), located in coding exon 2 of the NTHL1 gene, results from a C to G substitution at nucleotide position 334. The histidine at codon 112 is replaced by aspartic acid, an amino acid with similar properties. This amino acid position is conserved. In addition, the in silico prediction for this alteration is inconclusive. Based on the available evidence, the clinical significance of this variant remains unclear.

Labcorp Genetics (formerly Invitae), Labcorp
Classification: Uncertain significance. Last evaluated: 2023-07-07. Review status: criteria provided, single submitter. Criteria: Invitae Variant Classification Sherloc (09022015). Collection method: clinical testing. Allele origin: germline.
Comment: This sequence change replaces histidine, which is basic and polar, with aspartic acid, which is acidic and polar, at codon 112 of the NTHL1 protein (p.His112Asp). This variant is not present in population databases (gnomAD no frequency). This variant has not been reported in the literature in individuals affected with NTHL1-related conditions. An algorithm developed to predict the effect of missense changes on protein structure and function (PolyPhen-2) suggests that this variant is likely to be tolerated. In summary, the available evidence is currently insufficient to determine the role of this variant in disease. Therefore, it has been classified as a Variant of Uncertain Significance.